The following is an entry in ClinVar:

ClinVar aggregate classification (germline): Uncertain significance (1 of 4 stars; one submission).

Conditions:
Walker-Warburg congenital muscular dystrophy. Also called: Muscular dystrophy-dystroglycanopathy, type A; Walker-Warburg syndrome. Identifiers: Orphanet 899, MedGen C0265221, MONDO:0000171.

Submission:

Labcorp Genetics (formerly Invitae), Labcorp
Classification: Uncertain significance for Walker-Warburg congenital muscular dystrophy. Last evaluated: 2022-04-13. Review status: criteria provided, single submitter. Criteria: Invitae Variant Classification Sherloc (09022015). Collection method: clinical testing. Allele origin: germline.
Comment: This sequence change replaces glutamic acid, which is acidic and polar, with glutamine, which is neutral and polar, at codon 88 of the FKTN protein (p.Glu88Gln). This variant is not present in population databases (gnomAD no frequency). This variant has not been reported in the literature in individuals affected with FKTN-related conditions. Algorithms developed to predict the effect of missense changes on protein structure and function are either unavailable or do not agree on the potential impact of this missense change (SIFT: "Tolerated"; PolyPhen-2: "Possibly Damaging"; Align-GVGD: "Class C0"). In summary, the available evidence is currently insufficient to determine the role of this variant in disease. Therefore, it has been classified as a Variant of Uncertain Significance.

NM_001079802.2(FKTN):c.262G>C (p.Glu88Gln)

Gene: FKTN (fukutin; plus strand). Cytogenetic location: 9q31.2.
Variant type: single nucleotide variant.
Coding change: c.262G>C on transcript NM_001079802.2 (MANE Select); coding-DNA position 262, G replaced by C.
Protein change: p.Glu88Gln; replaces glutamic acid 88 with glutamine.
Molecular consequence: missense variant. On other transcripts: 5 prime UTR variant (4), non-coding transcript variant (2).
Genome position (GRCh38, 1-based): chr9:105,601,241, G>C. VCF-style: chr9-105601241-G-C. GRCh37 (hg19) VCF-style: chr9-108363522-G-C.
Other names: c.262G>C, p.Glu88Gln (NM_001198963.2, NM_001351496.2, NM_001351498.2 and 1 more transcripts); c.193G>C, p.Glu65Gln (NM_001351497.2); c.-253G>C (NM_001351499.2, NM_001351500.2, NM_001351501.2 and 1 more transcripts); short protein forms E88Q, E65Q.
Identifiers: ClinVar variation 2147478 (VCV002147478.2), dbSNP rs2539335030, ClinGen allele CA374331605.